The following is an entry in ClinVar:

NM_001378454.1(ALMS1):c.7777G>T (p.Glu2593Ter)

Gene: ALMS1 (ALMS1 centrosome and basal body associated protein; plus strand). Cytogenetic location: 2p13.1.
Variant type: single nucleotide variant.
Coding change: c.7777G>T on transcript NM_001378454.1 (MANE Select); coding-DNA position 7777, G replaced by T.
Protein change: p.Glu2593Ter; replaces glutamic acid 2593 with a stop codon.
Molecular consequence: nonsense.
Genome position (GRCh38, 1-based): chr2:73,489,736, G>T. VCF-style: chr2-73489736-G-T. GRCh37 (hg19) VCF-style: chr2-73716863-G-T.
Other names: c.7780G>T, p.Glu2594Ter (NM_015120.4); short protein forms E2593*, E2594*.
Identifiers: ClinVar variation 1726438 (VCV001726438.2), dbSNP rs2466212471, ClinGen allele CA347264043.

ClinVar aggregate classification (germline): Likely pathogenic (1 of 4 stars; one submission).

Conditions:
Alstrom syndrome (ALMS). Identifiers: Orphanet 64, MedGen C0268425, MONDO:0008763, OMIM 203800.

Submission:

Myriad Genetics, Inc.
Classification: Likely pathogenic for Alstrom syndrome. Last evaluated: 2021-12-17. Review status: criteria provided, single submitter. Criteria: Myriad Women's Health Autosomal Recessive and X-Linked Classification Criteria (2021). Collection method: clinical testing. Allele origin: unknown.
Comment: NM_015120.4(ALMS1):c.7780G>T(E2594*) is expected to be pathogenic in the context of Alstrom syndrome. This variant is predicted to lead to an abnormal or absent protein product due to the creation of a premature termination codon in ALMS1, a gene where loss-of-function variants are known to be pathogenic. Please note: this variant was assessed in the context of healthy population screening.